The following is an entry in ClinVar:

ClinVar aggregate classification (germline): Uncertain significance. Review status: criteria provided, multiple submitters, no conflicts (2 of 4 stars). 4 submissions from 4 submitters: Uncertain significance (4). Last evaluated 2025-07-13.

Conditions:
Hereditary cancer-predisposing syndrome. Also called: Hereditary neoplastic syndrome; Neoplastic Syndromes, Hereditary; Tumor predisposition; Hereditary Cancer Syndrome. Identifiers: Orphanet 140162, MedGen C0027672, MeSH D009386, MONDO:0015356.
Ataxia-telangiectasia syndrome (AT). Also called: Ataxia telangiectasia (A-T); LOUIS-BAR SYNDROME; Cerebello-oculocutaneous telangiectasia; Immunodeficiency with ataxia telangiectasia; Ataxia-telangiectasia, complementation group D; AT, COMPLEMENTATION GROUP C. Identifiers: Orphanet 100, MedGen C0004135, MONDO:0008840, OMIM 208900.

Allele frequency attached by ClinVar (database versions not stated): TOPMed below 0.00001.

Submissions (4):

Labcorp Genetics (formerly Invitae), Labcorp
Classification: Uncertain significance for Ataxia-telangiectasia syndrome. Last evaluated: 2025-07-13. Review status: criteria provided, single submitter. Criteria: Invitae Variant Classification Sherloc (09022015). Collection method: clinical testing. Allele origin: germline.
Comment: This sequence change replaces leucine, which is neutral and non-polar, with phenylalanine, which is neutral and non-polar, at codon 186 of the ATM protein (p.Leu186Phe). This variant is not present in population databases (gnomAD no frequency). This variant has not been reported in the literature in individuals affected with ATM-related conditions. ClinVar contains an entry for this variant (Variation ID: 407737). Invitae Evidence Modeling of protein sequence and biophysical properties (such as structural, functional, and spatial information, amino acid conservation, physicochemical variation, residue mobility, and thermodynamic stability) indicates that this missense variant is not expected to disrupt ATM protein function with a negative predictive value of 95%. In summary, the available evidence is currently insufficient to determine the role of this variant in disease. Therefore, it has been classified as a Variant of Uncertain Significance.

Women's Health and Genetics/Laboratory Corporation of America, LabCorp
Classification: Uncertain significance. Last evaluated: 2025-05-08. Review status: criteria provided, single submitter. Criteria: LabCorp Variant Classification Summary - May 2015. Collection method: clinical testing. Allele origin: germline.

Ambry Genetics
Classification: Uncertain significance for Hereditary cancer-predisposing syndrome. Last evaluated: 2024-05-31. Review status: criteria provided, single submitter. Criteria: Ambry Variant Classification Scheme 2023. Collection method: clinical testing. Allele origin: germline.
Comment: The p.L186F variant (also known as c.558A>C), located in coding exon 5 of the ATM gene, results from an A to C substitution at nucleotide position 558. The leucine at codon 186 is replaced by phenylalanine, an amino acid with highly similar properties. This amino acid position is highly conserved in available vertebrate species. In addition, this alteration is predicted to be tolerated by in silico analysis. Based on the available evidence, the clinical significance of this variant remains unclear.

Sema4
Classification: Uncertain significance for Hereditary cancer-predisposing syndrome. Last evaluated: 2022-01-30. Review status: criteria provided, single submitter. Criteria: Sema4 Curation Guidelines. Collection method: curation. Allele origin: germline.
Comment: The ATM c.558A>C (p.L186F) variant has not been reported in the literature to our knowledge. It was not observed in the large and broad cohorts of the Genome Aggregation Database (PMID: 32461654). The variant has been reported in ClinVar (Variation ID: 407737). Functional studies have not been performed, and in silico predictions of the variant's effect on protein function are inconclusive. The evidence is insufficient to meet ACMG/AMP criteria for classifying the variant as benign or pathogenic. Thus, the clinical significance of this variant is currently uncertain.

NM_000051.4(ATM):c.558A>C (p.Leu186Phe)

Gene: ATM (ATM serine/threonine kinase; plus strand). Cytogenetic location: 11q22.3.
Variant type: single nucleotide variant.
Coding change: c.558A>C on transcript NM_000051.4 (MANE Select); coding-DNA position 558, A replaced by C.
Protein change: p.Leu186Phe; replaces leucine 186 with phenylalanine.
Molecular consequence: missense variant.
Genome position (GRCh38, 1-based): chr11:108,244,014, A>C. VCF-style: chr11-108244014-A-C. GRCh37 (hg19) VCF-style: chr11-108114741-A-C.
Other names: c.558A>C, p.Leu186Phe (NM_001351834.2); short protein forms L186F.
Identifiers: ClinVar variation 407737 (VCV000407737.17), dbSNP rs991667156, ClinGen allele CA16613247.
Genomic context (GRCh38, chr11:108,244,014, plus strand): 5'-ATTGTTCTCTGTGTACTTCAGGCTCTATCTGAAACCTTCACAAGATGTTCATAGAGTTTT[A>C]GTGGCTAGAATAATTCATGCTGTTACCAAAGGATGCTGTTCTCAGACTGACGGATTAAAT-3'
Protein context (NP_000042.3, residues 176-196): LKPSQDVHRV[Leu186Phe]VARIIHAVTK